The following is an entry in ClinVar:

ClinVar aggregate classification (germline): Conflicting classifications of pathogenicity. Review status: criteria provided, conflicting classifications (1 of 4 stars). 3 submissions from 3 submitters: Likely pathogenic (1); Uncertain significance (1). 1 of the submissions does not count toward it. Last evaluated 2026-01-15.

Conditions:
Methylmalonic aciduria due to methylmalonyl-CoA mutase deficiency (MAMM). Also called: Methylmalonic aciduria, mut type. Identifiers: Orphanet 27, MedGen C1855114, MONDO:0009612, OMIM 251000.

Submissions (3):

Women's Health and Genetics/Laboratory Corporation of America, LabCorp
Classification: Uncertain significance. Last evaluated: 2026-01-15. Review status: criteria provided, single submitter. Criteria: LabCorp Variant Classification Summary - May 2015. Collection method: clinical testing. Allele origin: germline.
Comment: Variant summary: MMUT c.1553T>C (p.Leu518Pro) results in a non-conservative amino acid change in the encoded protein sequence. Algorithms developed to predict the effect of missense changes on protein structure and function all suggest that this variant is likely to be disruptive. The frequency of this variant in the general population could not be determined as the technology used for large population databases (ExAC, gnomAD, ESP, 1000G) cannot detect variants of this type. c.1553T>C has been observed in an individual affected with Methylmalonic Acidemia (Worgan_2026). These data do not allow any conclusion about variant significance. To our knowledge, no experimental evidence demonstrating an impact on protein function has been reported. The following publication have been ascertained in the context of this evaluation (PMID: 16281286). ClinVar contains an entry for this variant (Variation ID: 218994). Based on the evidence outlined above, the variant was classified as VUS-possibly pathogenic.

Labcorp Genetics (formerly Invitae), Labcorp
Classification: Likely pathogenic. Last evaluated: 2022-11-29. Review status: criteria provided, single submitter. Criteria: Invitae Variant Classification Sherloc (09022015). Collection method: clinical testing. Allele origin: germline.
Comment: In summary, the currently available evidence indicates that the variant is pathogenic, but additional data are needed to prove that conclusively. Therefore, this variant has been classified as Likely Pathogenic. Advanced modeling of protein sequence and biophysical properties (such as structural, functional, and spatial information, amino acid conservation, physicochemical variation, residue mobility, and thermodynamic stability) performed at Invitae indicates that this missense variant is expected to disrupt MUT protein function. ClinVar contains an entry for this variant (Variation ID: 218994). This missense change has been observed in individual(s) with methylmalonic aciduria (PMID: 16281286). This variant is not present in population databases (gnomAD no frequency). This sequence change replaces leucine, which is neutral and non-polar, with proline, which is neutral and non-polar, at codon 518 of the MUT protein (p.Leu518Pro).

GeneReviews
No classification provided. Condition: Methylmalonic aciduria due to methylmalonyl-CoA mutase deficiency. Review status: no classification provided. Collection method: literature only. Allele origin: germline. Affected: yes. Not counted in ClinVar's aggregate classification.
Comment: mut(0) enzymatic subtype when homozygous

Literature cited by the submitters: PubMed 16281286 (cited by 3 submitters); NCBI Bookshelf NBK1231 (cited by GeneReviews).

NM_000255.4(MMUT):c.1553T>C (p.Leu518Pro)

Gene: MMUT (methylmalonyl-CoA mutase; minus strand). Cytogenetic location: 6p12.3.
Variant type: single nucleotide variant.
Coding change: c.1553T>C on transcript NM_000255.4 (MANE Select); coding-DNA position 1553, T replaced by C.
Protein change: p.Leu518Pro; replaces leucine 518 with proline.
Molecular consequence: missense variant.
Genome position (GRCh38, 1-based): chr6:49,447,677, A>G on the plus strand (T>C on the coding strand, the complement: MMUT is on the minus strand). VCF-style: chr6-49447677-A-G. GRCh37 (hg19) VCF-style: chr6-49415390-A-G.
Other names: short protein forms L518P.
Identifiers: ClinVar variation 218994 (VCV000218994.6), dbSNP rs864309738, ClinGen allele CA347864.